The following is an entry in ClinVar:

NM_004369.4(COL6A3):c.3991C>A (p.Arg1331Ser)

Gene: COL6A3 (collagen type VI alpha 3 chain; minus strand). Cytogenetic location: 2q37.3.
Variant type: single nucleotide variant.
Coding change: c.3991C>A on transcript NM_004369.4 (MANE Select); coding-DNA position 3991, C replaced by A.
Protein change: p.Arg1331Ser; replaces arginine 1331 with serine.
Molecular consequence: missense variant.
Genome position (GRCh38, 1-based): chr2:237,372,026, G>T on the plus strand (C>A on the coding strand, the complement: COL6A3 is on the minus strand). VCF-style: chr2-237372026-G-T. GRCh37 (hg19) VCF-style: chr2-238280669-G-T.
Other names: c.2770C>A, p.Arg924Ser (NM_057164.5); c.3373C>A, p.Arg1125Ser (NM_057165.5, NM_057167.4); c.2170C>A, p.Arg724Ser (NM_057166.5); short protein forms R724S, R924S, R1331S, R1125S.
Identifiers: ClinVar variation 651506 (VCV000651506.10), dbSNP rs750341446, ClinGen allele CA67819078.
Genomic context (GRCh38, chr2:237,372,026, plus strand): 5'-CATCGTCAGACTTTCCAGACGAGATGAGGACCAGGAACTGCGGGACGCCCTCTTCAATGC[G>T]GCTCCCCAGGGGCCTCTTGAAGATGTTCCTGGACACGTACTCCAGGGCATTGCCCACGTT-3'
Protein context (NP_004360.2, residues 1321-1341): RNIFKRPLGS[Arg1331Ser]IEEGVPQFLV

ClinVar aggregate classification (germline): Uncertain significance. Review status: criteria provided, multiple submitters, no conflicts (2 of 4 stars). 2 submissions from 2 submitters: Uncertain significance (2). Last evaluated 2025-10-29.

Conditions:
Bethlem myopathy 1A. Also called: Bethlem Muscular Dystrophy; Bethlem myopathy 1; MYOPATHY, BENIGN CONGENITAL, WITH CONTRACTURES. Identifiers: Orphanet 610, MedGen CN029274, MONDO:0024530, OMIM 158810.
COL6A3-related disorder. Also called: COL6A3-related disorders; COL6A3-related condition.

Allele frequency attached by ClinVar (database versions not stated): TOPMed 0.00005.
gnomAD v4.1: 29 of 1,613,940 alleles (0.0018%); highest among the groups gnomAD compares: Non-Finnish European, 0.0025%; no homozygotes.

Submissions (2):

Labcorp Genetics (formerly Invitae), Labcorp
Classification: Uncertain significance for Bethlem myopathy 1A. Last evaluated: 2025-10-29. Review status: criteria provided, single submitter. Criteria: Invitae Variant Classification Sherloc (09022015). Collection method: clinical testing. Allele origin: germline.
Comment: This sequence change replaces arginine, which is basic and polar, with serine, which is neutral and polar, at codon 1331 of the COL6A3 protein (p.Arg1331Ser). This variant is present in population databases (no rsID available, gnomAD 0.0009%). This variant has not been reported in the literature in individuals affected with COL6A3-related conditions. ClinVar contains an entry for this variant (Variation ID: 651506). Invitae Evidence Modeling of protein sequence and biophysical properties (such as structural, functional, and spatial information, amino acid conservation, physicochemical variation, residue mobility, and thermodynamic stability) indicates that this missense variant is expected to disrupt COL6A3 protein function with a positive predictive value of 80%. In summary, the available evidence is currently insufficient to determine the role of this variant in disease. Therefore, it has been classified as a Variant of Uncertain Significance.

PreventionGenetics, part of Exact Sciences
Classification: Uncertain significance for COL6A3-related condition. Last evaluated: 2025-04-16. Review status: criteria provided, single submitter. Criteria: ACMG Guidelines, 2015. Collection method: clinical testing. Allele origin: germline.
Comment: The COL6A3 c.3991C>A variant is predicted to result in the amino acid substitution p.Arg1331Ser. To our knowledge, this variant has not been reported in the literature. This variant is reported in 0.00088% of alleles in individuals of European (Non-Finnish) descent in gnomAD. At this time, the clinical significance of this variant is uncertain due to the absence of conclusive functional and genetic evidence.